The following is an entry in ClinVar:

NM_007227.3(GPR45):c.777G>C (p.Leu259Phe)

Gene: GPR45 (G protein-coupled receptor 45; plus strand). Cytogenetic location: 2q12.1.
Variant type: single nucleotide variant.
Coding change: c.777G>C on transcript NM_007227.3 (MANE Select); coding-DNA position 777, G replaced by C.
Protein change: p.Leu259Phe; replaces leucine 259 with phenylalanine.
Molecular consequence: missense variant.
Genome position (GRCh38, 1-based): chr2:105,242,635, G>C. VCF-style: chr2-105242635-G-C. GRCh37 (hg19) VCF-style: chr2-105859092-G-C.
Other names: short protein forms L259F.
Identifiers: ClinVar variation 2834172 (VCV002834172.4), dbSNP rs2466838894, ClinGen allele CA348101200.

ClinVar aggregate classification (germline): Uncertain significance. Review status: criteria provided, multiple submitters, no conflicts (2 of 4 stars). 2 submissions from 2 submitters: Uncertain significance (2). Last evaluated 2025-09-01.

gnomAD v4.1: 1 of 1,602,976 alleles (0.000062%); highest among the groups gnomAD compares: Non-Finnish European, 0.000085%; no homozygotes.

Submissions (2):

Ambry Genetics
Classification: Uncertain significance. Last evaluated: 2025-09-01. Review status: criteria provided, single submitter. Criteria: Ambry Variant Classification Scheme 2023. Collection method: clinical testing. Allele origin: germline.

Labcorp Genetics (formerly Invitae), Labcorp
Classification: Uncertain significance. Last evaluated: 2023-10-29. Review status: criteria provided, single submitter. Criteria: Invitae Variant Classification Sherloc (09022015). Collection method: clinical testing. Allele origin: germline.
Comment: This sequence change replaces leucine, which is neutral and non-polar, with phenylalanine, which is neutral and non-polar, at codon 259 of the GPR45 protein (p.Leu259Phe). This variant is not present in population databases (gnomAD no frequency). This variant has not been reported in the literature in individuals affected with GPR45-related conditions. An algorithm developed to predict the effect of missense changes on protein structure and function (PolyPhen-2) suggests that this variant is likely to be tolerated. In summary, the available evidence is currently insufficient to determine the role of this variant in disease. Therefore, it has been classified as a Variant of Uncertain Significance.